The following is an entry in ClinVar:

NM_000092.5(COL4A4):c.3644C>T (p.Pro1215Leu)

Gene: COL4A4 (collagen type IV alpha 4 chain; minus strand). Cytogenetic location: 2q36.3.
Variant type: single nucleotide variant.
Coding change: c.3644C>T on transcript NM_000092.5 (MANE Select); coding-DNA position 3644, C replaced by T.
Protein change: p.Pro1215Leu; replaces proline 1215 with leucine.
Molecular consequence: missense variant.
Genome position (GRCh38, 1-based): chr2:227,032,210, G>A on the plus strand (C>T on the coding strand, the complement: COL4A4 is on the minus strand). VCF-style: chr2-227032210-G-A. GRCh37 (hg19) VCF-style: chr2-227896926-G-A.
Other names: short protein forms P1215L.
Identifiers: ClinVar variation 1209088 (VCV001209088.11), dbSNP rs189847470, ClinGen allele CA2144463.

ClinVar aggregate classification (germline): Uncertain significance. Review status: criteria provided, multiple submitters, no conflicts (2 of 4 stars). 6 submissions from 6 submitters: Uncertain significance (5). 1 of the submissions does not count toward it. Last evaluated 2026-03-06.

Conditions:
Autosomal recessive Alport syndrome (ATS2). Also called: COL4A4 Alport Syndrome and Thin Basement Membrane Nephropathy; ALPORT SYNDROME 2, AUTOSOMAL RECESSIVE; Alport syndrome type 2; COL4A3-Related Nephropathy. Identifiers: Orphanet 63, Orphanet 88919, MedGen C4746745, MONDO:0008762, OMIM 203780.
Benign familial hematuria. Also called: thin basement membrane disease. Identifiers: MedGen C0241908, MONDO:0957317.
Alport syndrome. Also called: Hemorrhagic familial nephritis; Hemorrhagic hereditary nephritis; Congenital hereditary hematuria. Identifiers: Orphanet 63, MedGen C1567741, MONDO:0018965.
COL4A4-related disorder.

Allele frequency attached by ClinVar (database versions not stated): gnomAD exomes 0.00001; ExAC 0.00002; TOPMed 0.00003; gnomAD 0.00004 and 0.00007; 1000 Genomes Project 0.00040; 1000 Genomes Project 30x 0.00062.
gnomAD v4.1: 24 of 1,614,128 alleles (0.0015%); highest among the groups gnomAD compares: Admixed American, 0.04%; no homozygotes.

Submissions (6):

PreventionGenetics, part of Exact Sciences
Classification: Uncertain significance for COL4A4-related condition. Last evaluated: 2026-03-06. Review status: criteria provided, single submitter. Criteria: ACMG Guidelines, 2015. Collection method: clinical testing. Allele origin: germline.
Comment: The COL4A4 c.3644C>T variant is predicted to result in the amino acid substitution p.Pro1215Leu. To our knowledge, this variant has not been reported in the literature. This variant is reported in 0.0087% of alleles in individuals of Latino descent in gnomAD. At this time, the clinical significance of this variant is uncertain due to the absence of conclusive functional and genetic evidence.

Labcorp Genetics (formerly Invitae), Labcorp
Classification: Uncertain significance. Last evaluated: 2025-09-19. Review status: criteria provided, single submitter. Criteria: Invitae Variant Classification Sherloc (09022015). Collection method: clinical testing. Allele origin: germline.
Comment: This sequence change replaces proline, which is neutral and non-polar, with leucine, which is neutral and non-polar, at codon 1215 of the COL4A4 protein (p.Pro1215Leu). This variant is present in population databases (rs189847470, gnomAD 0.01%). This variant has not been reported in the literature in individuals affected with COL4A4-related conditions. ClinVar contains an entry for this variant (Variation ID: 1209088). Invitae Evidence Modeling of protein sequence and biophysical properties (such as structural, functional, and spatial information, amino acid conservation, physicochemical variation, residue mobility, and thermodynamic stability) indicates that this missense variant is not expected to disrupt COL4A4 protein function with a negative predictive value of 95%. In summary, the available evidence is currently insufficient to determine the role of this variant in disease. Therefore, it has been classified as a Variant of Uncertain Significance.

GeneDx
Classification: Uncertain significance. Last evaluated: 2025-02-06. Review status: criteria provided, single submitter. Criteria: GeneDx Variant Classification Process June 2021. Collection method: clinical testing. Allele origin: germline. Affected: yes.
Comment: In silico analysis supports that this missense variant has a deleterious effect on protein structure/function; Has not been previously published as pathogenic or benign to our knowledge; Occurs in the triple helical domain at the Y position in the canonical Gly-X-Y repeat; although this variant may have an effect on normal protein folding and function, missense substitution at the Y position is not a common mechanism of disease

Women's Health and Genetics/Laboratory Corporation of America, LabCorp
Classification: Uncertain significance. Last evaluated: 2024-08-07. Review status: criteria provided, single submitter. Criteria: LabCorp Variant Classification Summary - May 2015. Collection method: clinical testing. Allele origin: germline.
Comment: Variant summary: COL4A4 c.3644C>T (p.Pro1215Leu) results in a non-conservative amino acid change in the encoded protein sequence. Five of five in-silico tools predict a damaging effect of the variant on protein function. The variant allele was found at a frequency of 1.2e-05 in 249436 control chromosomes. The available data on variant occurrences in the general population are insufficient to allow any conclusion about variant significance. To our knowledge, no occurrence of c.3644C>T in individuals affected with Alport Syndrome, Autosomal Recessive and no experimental evidence demonstrating its impact on protein function have been reported. ClinVar contains an entry for this variant (Variation ID: 1209088). Based on the evidence outlined above, the variant was classified as uncertain significance.

Fulgent Genetics
Classification: Uncertain significance for Hematuria, benign familial, 1; Autosomal recessive Alport syndrome. Last evaluated: 2022-05-31. Review status: criteria provided, single submitter. Criteria: ACMG Guidelines, 2015. Collection method: clinical testing. Allele origin: unknown.

Natera, Inc.
Classification: Uncertain significance for Alport syndrome. Last evaluated: 2020-03-29. Review status: no assertion criteria provided. Collection method: clinical testing. Allele origin: germline. Not counted in ClinVar's aggregate classification.